The following is an entry in ClinVar:

ClinVar aggregate classification (germline): Pathogenic. Review status: criteria provided, multiple submitters, no conflicts (2 of 4 stars). 3 submissions from 3 submitters: Pathogenic (2). 1 of the submissions does not count toward it. Last evaluated 2025-08-05.

Conditions:
CFTR-related disorder (CFTR-RD). Also called: CFTR-related disorders; CFTR-related condition. Identifiers: MedGen C5924204, MONDO:7770004.
Cystic fibrosis (CF). Also called: MUCOVISCIDOSIS. Identifiers: Orphanet 586, MedGen C0010674, MONDO:0009061, OMIM 219700. Disease mechanism: loss of function.

Submissions (3):

Natera, Inc.
Classification: Pathogenic for CFTR-related disorders. Last evaluated: 2025-08-05. Review status: criteria provided, single submitter. Criteria: Natera Variant Classification Schema (03/2026). Collection method: clinical testing. Allele origin: germline.
Comment: The c.451C>T variant in CFTR is a nonsense variant predicted to introduce a stop codon at amino acid 151. This variant is expected to result in nonsense mediated decay, truncation, or a dysfunctional protein product. This variant is rare in the general population with a frequency below the threshold expected for the associated phenotype(s). This variant has been observed in one or more individuals affected with the associated recessive disease, as either homozygous or compound heterozygous with a second variant (PMID: 1284529). Given the available evidence, this variant is classified as Pathogenic.

Labcorp Genetics (formerly Invitae), Labcorp
Classification: Pathogenic for Cystic fibrosis. Last evaluated: 2021-01-18. Review status: criteria provided, single submitter. Criteria: Invitae Variant Classification Sherloc (09022015). Collection method: clinical testing. Allele origin: germline.
Comment: This sequence change creates a premature translational stop signal (p.Gln151*) in the CFTR gene. It is expected to result in an absent or disrupted protein product. Loss-of-function variants in CFTR are known to be pathogenic (PMID: 1695717, 7691345, 9725922). This variant is not present in population databases (ExAC no frequency). This variant has been observed in individual(s) with cystic fibrosis (PMID: 1284529). ClinVar contains an entry for this variant (Variation ID: 53954). For these reasons, this variant has been classified as Pathogenic.

ClinVar Staff, National Center for Biotechnology Information (NCBI)
No classification provided. Condition: CFTR-related disorders. Review status: no classification provided. Collection method: literature only. Allele origin: germline. Affected: yes. Not counted in ClinVar's aggregate classification.

Literature cited by the submitters: PubMed 1284529 (cited by 3 submitters); PubMed 1695717 (cited by Labcorp Genetics (formerly Invitae), Labcorp); PubMed 7691345 (cited by Labcorp Genetics (formerly Invitae), Labcorp); PubMed 9725922 (cited by Labcorp Genetics (formerly Invitae), Labcorp).

NM_000492.4(CFTR):c.451C>T (p.Gln151Ter)

Gene: CFTR (CF transmembrane conductance regulator; plus strand). Cytogenetic location: 7q31.2.
Variant type: single nucleotide variant.
Coding change: c.451C>T on transcript NM_000492.4 (MANE Select); coding-DNA position 451, C replaced by T.
Protein change: p.Gln151Ter; replaces glutamine 151 with a stop codon.
Molecular consequence: nonsense.
Genome position (GRCh38, 1-based): chr7:117,531,076, C>T. VCF-style: chr7-117531076-C-T. GRCh37 (hg19) VCF-style: chr7-117171130-C-T.
Other names: short protein forms Q151*.
Identifiers: ClinVar variation 53954 (VCV000053954.9), dbSNP rs397508720, ClinGen allele CA327498.